The following is an entry in ClinVar:

NM_015662.3(IFT172):c.4632C>T (p.Arg1544=)

Gene: IFT172 (intraflagellar transport 172; minus strand). Cytogenetic location: 2p23.3.
Variant type: single nucleotide variant.
Coding change: c.4632C>T on transcript NM_015662.3 (MANE Select); coding-DNA position 4632, C replaced by T.
Protein change: p.Arg1544=; no amino-acid change (arginine 1544 retained).
Molecular consequence: synonymous variant.
Genome position (GRCh38, 1-based): chr2:27,447,542, G>A on the plus strand (C>T on the coding strand, the complement: IFT172 is on the minus strand). VCF-style: chr2-27447542-G-A. GRCh37 (hg19) VCF-style: chr2-27670409-G-A.
Other names: c.4566C>T, p.Arg1522= (NM_001410739.1).
Identifiers: ClinVar variation 3352156 (VCV003352156.2).

ClinVar aggregate classification (germline): Likely benign. Review status: criteria provided, single submitter (1 of 4 stars). 2 submissions from 2 submitters: Likely benign (1). 1 of the submissions does not count toward it. Last evaluated 2025-07-06.

Conditions:
IFT172-related disorder. Also called: IFT172-related disorders; IFT172-related condition.
Short-rib thoracic dysplasia 10 with or without polydactyly (SRTD10). Identifiers: Orphanet 474, MedGen C3810175, MONDO:0014284, OMIM 615630.
Retinitis pigmentosa 71 (RP71). Identifiers: Orphanet 791, MedGen C4225342, MONDO:0014618, OMIM 616394.

Submissions (2):

Labcorp Genetics (formerly Invitae), Labcorp
Classification: Likely benign for Retinitis pigmentosa 71; Short-rib thoracic dysplasia 10 with or without polydactyly. Last evaluated: 2025-07-06. Review status: criteria provided, single submitter. Criteria: Invitae Variant Classification Sherloc (09022015). Collection method: clinical testing. Allele origin: germline.

PreventionGenetics, part of Exact Sciences
Classification: Likely benign for IFT172-related condition. Last evaluated: 2020-05-29. Review status: no assertion criteria provided. Collection method: clinical testing. Allele origin: germline. Not counted in ClinVar's aggregate classification.
Comment: This variant is classified as likely benign based on ACMG/AMP sequence variant interpretation guidelines (Richards et al. 2015 PMID: 25741868, with internal and published modifications).